The following is an entry in ClinVar:

NM_001122681.2(SH3BP2):c.1178C>T (p.Pro393Leu)

Gene: SH3BP2 (SH3 domain binding protein 2; plus strand). Cytogenetic location: 4p16.3.
Variant type: single nucleotide variant.
Coding change: c.1178C>T on transcript NM_001122681.2 (MANE Select); coding-DNA position 1178, C replaced by T.
Protein change: p.Pro393Leu; replaces proline 393 with leucine.
Molecular consequence: missense variant.
Genome position (GRCh38, 1-based): chr4:2,830,084, C>T. VCF-style: chr4-2830084-C-T. GRCh37 (hg19) VCF-style: chr4-2831811-C-T.
Other names: c.1262C>T, p.Pro421Leu (NM_001145855.2); c.1349C>T, p.Pro450Leu (NM_001145856.2); c.1178C>T, p.Pro393Leu (NM_003023.4); short protein forms P393L, P450L, P421L.
Identifiers: ClinVar variation 953976 (VCV000953976.9), dbSNP rs1724900397, ClinGen allele CA356057303.
Genomic context (GRCh38, chr4:2,830,084, plus strand): 5'-TGCCCGGACTCTTTGTGCCCCCCGTGGCTCCCCGGCCTCCTGCGCTGAAGCTGCCAGTGC[C>T]TGAGGCCATGGCGCGGCCCGCAGTCCTGCCCAGGCCAGAGAAGCCGCAGCTCCCGCACCT-3'
Protein context (NP_001116153.1, residues 383-403): PRPPALKLPV[Pro393Leu]EAMARPAVLP

ClinVar aggregate classification (germline): Uncertain significance (1 of 4 stars; one submission).

Conditions:
Fibrous dysplasia of jaw (CRBM). Also called: Cherubism. Identifiers: Orphanet 184, MedGen C0008029, MONDO:0007315, OMIM 118400.

Allele frequency attached by ClinVar (database versions not stated): gnomAD exomes below 0.00001.
gnomAD v4.1: 2 of 1,609,908 alleles (0.00012%); highest among the groups gnomAD compares: Non-Finnish European, 0.00017%; no homozygotes.

Submission:

Labcorp Genetics (formerly Invitae), Labcorp
Classification: Uncertain significance for Fibrous dysplasia of jaw. Last evaluated: 2019-10-30. Review status: criteria provided, single submitter. Criteria: Invitae Variant Classification Sherloc (09022015). Collection method: clinical testing. Allele origin: germline.
Comment: In summary, the available evidence is currently insufficient to determine the role of this variant in disease. Therefore, it has been classified as a Variant of Uncertain Significance. Algorithms developed to predict the effect of missense changes on protein structure and function are either unavailable or do not agree on the potential impact of this missense change (SIFT: "Deleterious"; PolyPhen-2: "Possibly Damaging"; Align-GVGD: "Class C0"). This variant has not been reported in the literature in individuals with SH3BP2-related conditions. This variant is not present in population databases (ExAC no frequency). This sequence change replaces proline with leucine at codon 393 of the SH3BP2 protein (p.Pro393Leu). The proline residue is highly conserved and there is a moderate physicochemical difference between proline and leucine.